The following is an entry in ClinVar:

NM_000458.4(HNF1B):c.1207A>G (p.Ile403Val)

Gene: HNF1B (HNF1 homeobox B; minus strand). Cytogenetic location: 17q12.
Variant type: single nucleotide variant.
Coding change: c.1207A>G on transcript NM_000458.4 (MANE Select); coding-DNA position 1207, A replaced by G.
Protein change: p.Ile403Val; replaces isoleucine 403 with valine.
Molecular consequence: missense variant.
Genome position (GRCh38, 1-based): chr17:37,705,049, T>C on the plus strand (A>G on the coding strand, the complement: HNF1B is on the minus strand). VCF-style: chr17-37705049-T-C. GRCh37 (hg19) VCF-style: chr17-36065056-T-C.
Other names: c.1129A>G, p.Ile377Val (NM_001165923.4, NM_001304286.2); c.1207A>G, p.Ile403Val (NM_001411100.1); short protein forms I377V, I403V.
Identifiers: ClinVar variation 2058935 (VCV002058935.4), dbSNP rs747110790, ClinGen allele CA398757806.

ClinVar aggregate classification (germline): Uncertain significance (1 of 4 stars; one submission).

Submission:

Labcorp Genetics (formerly Invitae), Labcorp
Classification: Uncertain significance. Last evaluated: 2023-12-11. Review status: criteria provided, single submitter. Criteria: Invitae Variant Classification Sherloc (09022015). Collection method: clinical testing. Allele origin: germline.
Comment: This sequence change replaces isoleucine, which is neutral and non-polar, with valine, which is neutral and non-polar, at codon 403 of the HNF1B protein (p.Ile403Val). This variant is not present in population databases (gnomAD no frequency). This variant has not been reported in the literature in individuals affected with HNF1B-related conditions. ClinVar contains an entry for this variant (Variation ID: 2058935). An algorithm developed to predict the effect of missense changes on protein structure and function (PolyPhen-2) suggests that this variant is likely to be disruptive. In summary, the available evidence is currently insufficient to determine the role of this variant in disease. Therefore, it has been classified as a Variant of Uncertain Significance.